The following is an entry in ClinVar:

NM_004370.6(COL12A1):c.4839C>A (p.Asp1613Glu)

Gene: COL12A1 (collagen type XII alpha 1 chain; minus strand). Cytogenetic location: 6q13.
Variant type: single nucleotide variant.
Coding change: c.4839C>A on transcript NM_004370.6 (MANE Select); coding-DNA position 4839, C replaced by A.
Protein change: p.Asp1613Glu; replaces aspartic acid 1613 with glutamic acid.
Molecular consequence: missense variant.
Genome position (GRCh38, 1-based): chr6:75,142,150, G>T on the plus strand (C>A on the coding strand, the complement: COL12A1 is on the minus strand). VCF-style: chr6-75142150-G-T. GRCh37 (hg19) VCF-style: chr6-75851866-G-T.
Other names: c.1347C>A, p.Asp449Glu (NM_080645.3); c.4839C>A (NM_004370.5); short protein forms D1613E, D449E.
Identifiers: ClinVar variation 2024808 (VCV002024808.5), dbSNP rs2533338632, ClinGen allele CA364740983.

ClinVar aggregate classification (germline): Uncertain significance. Review status: criteria provided, multiple submitters, no conflicts (2 of 4 stars). 2 submissions from 2 submitters: Uncertain significance (2). Last evaluated 2022-09-14.

Conditions:
Ullrich congenital muscular dystrophy 2 (UCMD2). Identifiers: Orphanet 75840, MedGen C4225314, MONDO:0014654, OMIM 616470.
Bethlem myopathy 2 (BTHLM2). Identifiers: Orphanet 536516, Orphanet 610, MedGen C4225313, MONDO:0034022, OMIM 616471.

Submissions (2):

GeneDx
Classification: Uncertain significance. Last evaluated: 2022-09-14. Review status: criteria provided, single submitter. Criteria: GeneDx Variant Classification Process June 2021. Collection method: clinical testing. Allele origin: germline. Affected: yes.
Comment: Not observed at significant frequency in large population cohorts (gnomAD); In silico analysis supports that this missense variant does not alter protein structure/function; Has not been previously published as pathogenic or benign to our knowledge

Labcorp Genetics (formerly Invitae), Labcorp
Classification: Uncertain significance for Bethlem myopathy 2; Ullrich congenital muscular dystrophy 2. Last evaluated: 2022-08-13. Review status: criteria provided, single submitter. Criteria: Invitae Variant Classification Sherloc (09022015). Collection method: clinical testing. Allele origin: germline.
Comment: Algorithms developed to predict the effect of missense changes on protein structure and function are either unavailable or do not agree on the potential impact of this missense change (SIFT: "Deleterious"; PolyPhen-2: "Benign"; Align-GVGD: "Class C0"). This sequence change replaces aspartic acid, which is acidic and polar, with glutamic acid, which is acidic and polar, at codon 1613 of the COL12A1 protein (p.Asp1613Glu). This variant is not present in population databases (gnomAD no frequency). This variant has not been reported in the literature in individuals affected with COL12A1-related conditions. In summary, the available evidence is currently insufficient to determine the role of this variant in disease. Therefore, it has been classified as a Variant of Uncertain Significance.